The following is an entry in ClinVar:

NM_001492.6(GDF1):c.653dup (p.Leu219fs)

Genes: CERS1 (ceramide synthase 1; minus strand), GDF1 (growth differentiation factor 1; minus strand). Cytogenetic location: 19p13.11.
Variant type: Duplication.
Coding change: c.653dup on transcript NM_001492.6 (MANE Select); coding-DNA position 653, one base duplicated (C; older notation c.653dupC).
Protein change: p.Leu219fs; shifts the reading frame from leucine 219.
Molecular consequence: frameshift variant. On other transcripts: 3 prime UTR variant (2).
Genome position (GRCh38, 1-based): chr19:18,869,063, G duplicated on the plus strand (C on the coding strand, the reverse complement: GDF1 is on the minus strand). VCF-style (leftmost placement, unchanged base first): chr19-18869062-C-CG. GRCh37 (hg19) VCF-style: chr19-18979871-C-CG.
Other names: c.*1514dup (NM_001387440.1); c.*922dup (NM_021267.5); c.653dup, p.Leu219fs (NM_001387438.1); short protein forms L219fs.
Identifiers: ClinVar variation 4531712 (VCV004531712.1).

ClinVar aggregate classification (germline): Pathogenic (1 of 4 stars; one submission).

Conditions:
Right atrial isomerism (RAI). Also called: IVEMARK SYNDROME. Identifiers: Orphanet 97548, MedGen C3178806, MONDO:0008832, OMIM 208530, HP:0011536.

Submission:

Victorian Clinical Genetics Services, Murdoch Childrens Research Institute
Classification: Pathogenic for Right atrial isomerism. Last evaluated: 2025-07-29. Review status: criteria provided, single submitter. Criteria: ACMG Guidelines, 2015. Collection method: clinical testing. Allele origin: germline.
Comment: This variant is classified as Pathogenic. Evidence in support of pathogenic classification: Variant is predicted to result in a truncated protein (premature termination codon is NOT located at least 54 nucleotides upstream of the final exon-exon junction) with at least 1/3 of the protein sequence affected; Variant is absent from gnomAD (v2, v3 and v4); Other truncating variant(s) comparable to the one identified in this case have very strong previous evidence for pathogenicity (DECIPHER). Additional information: This variant is heterozygous; This gene is associated with both recessive and dominant disease (OMIM). There is no clear association between variant type and disease inheritance pattern (PMID: 32144877). A majority of the premature termination variants reported are associated with autosomal recessive inheritance, however a one premature termination variant has reported for autosomal dominant inheritance (PMID: 32144877, 33131162); This variant has no previous evidence of pathogenicity; No published evidence of segregation with disease has been identified for this variant; No published functional evidence has been identified for this variant; Loss of function is a known mechanism of disease in this gene and is associated with right atrial isomerism (Ivemark) (MIM#208530), whereas the mechanism is unclear for congenital heart defects, multiple types, 6 (MIM#613854).

Literature cited by the submitters: PubMed 33131162; PubMed 32144877.